The following is an entry in ClinVar:

NM_138927.4(SON):c.5530C>T (p.Arg1844Cys)

Gene: SON (SON DNA and RNA binding protein; plus strand). Cytogenetic location: 21q22.11.
Variant type: single nucleotide variant.
Coding change: c.5530C>T on transcript NM_138927.4 (MANE Select); coding-DNA position 5530, C replaced by T.
Protein change: p.Arg1844Cys; replaces arginine 1844 with cysteine.
Molecular consequence: missense variant. On other transcripts: non-coding transcript variant (1), intron variant (1).
Genome position (GRCh38, 1-based): chr21:33,554,761, C>T. VCF-style: chr21-33554761-C-T. GRCh37 (hg19) VCF-style: chr21-34927067-C-T.
Other names: c.5530C>T (NM_138927.2); c.5530C>T, p.Arg1844Cys (NM_001291411.2, NM_001412133.1, NM_032195.3 and 2 more transcripts); c.245-2395C>T (NM_001291412.3); short protein forms R1844C.
Identifiers: ClinVar variation 2957498 (VCV002957498.5), dbSNP rs375731433, ClinGen allele CA10009758.

ClinVar aggregate classification (germline): Likely benign. Review status: criteria provided, single submitter (1 of 4 stars). 2 submissions from 2 submitters: Likely benign (1). 1 of the submissions does not count toward it. Last evaluated 2025-03-31.

Conditions:
SON-related disorder. Also called: SON-related condition.

Allele frequency attached by ClinVar (database versions not stated): ExAC 0.00006; ESP Exome Variant Server 0.00008.
gnomAD v4.1: 93 of 1,613,754 alleles (0.0058%); highest among the groups gnomAD compares: Middle Eastern, 0.016%; no homozygotes.

Submissions (2):

Labcorp Genetics (formerly Invitae), Labcorp
Classification: Likely benign. Last evaluated: 2025-03-31. Review status: criteria provided, single submitter. Criteria: Invitae Variant Classification Sherloc (09022015). Collection method: clinical testing. Allele origin: germline.

PreventionGenetics, part of Exact Sciences
Classification: Likely benign for SON-related condition. Last evaluated: 2021-12-14. Review status: no assertion criteria provided. Collection method: clinical testing. Allele origin: germline. Not counted in ClinVar's aggregate classification.
Comment: This variant is classified as likely benign based on ACMG/AMP sequence variant interpretation guidelines (Richards et al. 2015 PMID: 25741868, with internal and published modifications).